The following is an entry in ClinVar:

NM_014159.7(SETD2):c.6239C>G (p.Ser2080Cys)

Gene: SETD2 (SET domain containing 2, histone lysine methyltransferase; minus strand). Cytogenetic location: 3p21.31.
Variant type: single nucleotide variant.
Coding change: c.6239C>G on transcript NM_014159.7 (MANE Select); coding-DNA position 6239, C replaced by G.
Protein change: p.Ser2080Cys; replaces serine 2080 with cysteine.
Molecular consequence: missense variant. On other transcripts: non-coding transcript variant (1).
Genome position (GRCh38, 1-based): chr3:47,062,217, G>C on the plus strand (C>G on the coding strand, the complement: SETD2 is on the minus strand). VCF-style: chr3-47062217-G-C. GRCh37 (hg19) VCF-style: chr3-47103707-G-C.
Other names: c.6107C>G, p.Ser2036Cys (NM_001349370.3); short protein forms S2036C, S2080C.
Identifiers: ClinVar variation 1302234 (VCV001302234.2), dbSNP rs2107588983, ClinGen allele CA352524374.
Genomic context (GRCh38, chr3:47,062,217, plus strand): 5'-ACTTACCTGTCATCTGGCCTTTTTGTTCCCCGCTCATAGGCAGAAGAGGGTGGTGAGAGG[G>C]AGCTTCTTCGTTTCCTTTTCTCTTTATTTTGAGTTTGCTTGTCTGGGTCTCTCTCTCTTG-3'
Protein context (NP_054878.5, residues 2070-2090): QNKEKRKRRS[Ser2080Cys]LSPPSSAYER

ClinVar aggregate classification (germline): Uncertain significance (1 of 4 stars; one submission).

Allele frequency attached by ClinVar (database versions not stated): gnomAD exomes below 0.00001.
gnomAD v4.1: 1 of 1,614,090 alleles (0.000062%); highest among the groups gnomAD compares: Non-Finnish European, 0.000085%; no homozygotes.

Submission:

GeneDx
Classification: Uncertain significance. Last evaluated: 2019-07-23. Review status: criteria provided, single submitter. Criteria: GeneDx Variant Classification Process June 2021. Collection method: clinical testing. Allele origin: germline. Affected: yes.
Comment: Not observed in large population cohorts (Lek et al., 2016); In silico analysis, which includes protein predictors and evolutionary conservation, supports a deleterious effect; Has not been previously published as pathogenic or benign to our knowledge